The following is an entry in ClinVar:

ClinVar aggregate classification (germline): Likely pathogenic (1 of 4 stars; one submission).

Conditions:
Carnitine palmitoyl transferase 1A deficiency. Also called: Carnitine palmitoyltransferase type I deficiency; Carnitine palmitoyltransferase 1A deficiency; CPT deficiency, hepatic, type IA; CPT I DEFICIENCY; CPT DEFICIENCY, HEPATIC, TYPE I. Identifiers: Orphanet 156, MedGen C1829703, MONDO:0009705, OMIM 255120.

gnomAD v4.1: 1 of 1,613,932 alleles (0.000062%); highest among the groups gnomAD compares: Non-Finnish European, 0.000085%; no homozygotes.

Submission:

Labcorp Genetics (formerly Invitae), Labcorp
Classification: Likely pathogenic for Carnitine palmitoyl transferase 1A deficiency. Last evaluated: 2021-05-18. Review status: criteria provided, single submitter. Criteria: Invitae Variant Classification Sherloc (09022015). Collection method: clinical testing. Allele origin: germline.
Comment: This sequence change affects a donor splice site in intron 16 of the CPT1A gene. It is expected to disrupt RNA splicing. Variants that disrupt the donor or acceptor splice site typically lead to a loss of protein function (PMID: 16199547), and loss-of-function variants in CPT1A are known to be pathogenic (PMID: 16169268). This variant is not present in population databases (ExAC no frequency). This variant has not been reported in the literature in individuals with CPT1A-related conditions. Algorithms developed to predict the effect of sequence changes on RNA splicing suggest that this variant may disrupt the consensus splice site, but this prediction has not been confirmed by published transcriptional studies. In summary, the currently available evidence indicates that the variant is pathogenic, but additional data are needed to prove that conclusively. Therefore, this variant has been classified as Likely Pathogenic.

Literature cited by the submitters: PubMed 16199547; PubMed 16169268.

NM_001876.4(CPT1A):c.2028+1G>A

Gene: CPT1A (carnitine palmitoyltransferase 1A; minus strand). Cytogenetic location: 11q13.3.
Variant type: single nucleotide variant.
Coding change: c.2028+1G>A on transcript NM_001876.4 (MANE Select); the canonical splice donor site of the intron after coding-DNA position 2028, G replaced by A.
Molecular consequence: splice donor variant.
Genome position (GRCh38, 1-based): chr11:68,761,534, C>T on the plus strand (G>A on the coding strand, the complement: CPT1A is on the minus strand). VCF-style: chr11-68761534-C-T. GRCh37 (hg19) VCF-style: chr11-68529002-C-T.
Other names: c.2028+1G>A (NM_001031847.3).
Identifiers: ClinVar variation 1466763 (VCV001466763.8), dbSNP rs2153994981, ClinGen allele CA381626357.